The following is an entry in ClinVar:

NM_177438.3(DICER1):c.5432T>A (p.Ile1811Asn)

Gene: DICER1 (dicer 1, ribonuclease III; minus strand). Cytogenetic location: 14q32.13.
Variant type: single nucleotide variant.
Coding change: c.5432T>A on transcript NM_177438.3 (MANE Select); coding-DNA position 5432, T replaced by A.
Protein change: p.Ile1811Asn; replaces isoleucine 1811 with asparagine.
Molecular consequence: missense variant. On other transcripts: intron variant (1).
Genome position (GRCh38, 1-based): chr14:95,091,298, A>T on the plus strand (T>A on the coding strand, the complement: DICER1 is on the minus strand). VCF-style: chr14-95091298-A-T. GRCh37 (hg19) VCF-style: chr14-95557635-A-T.
Other names: c.5432T>A, p.Ile1811Asn (NM_001271282.3, NM_001291628.2, NM_030621.4); c.5365-189T>A (NM_001195573.1); short protein forms I1811N.
Identifiers: ClinVar variation 825732 (VCV000825732.4), dbSNP rs1595314872, ClinGen allele CA390864667.

ClinVar aggregate classification (germline): Uncertain significance (1 of 4 stars; one submission).

Conditions:
Hereditary cancer-predisposing syndrome. Also called: Neoplastic Syndromes, Hereditary; Tumor predisposition; Hereditary neoplastic syndrome; Hereditary Cancer Syndrome. Identifiers: Orphanet 140162, MedGen C0027672, MeSH D009386, MONDO:0015356.

Submission:

Ambry Genetics
Classification: Uncertain significance for Hereditary cancer-predisposing syndrome. Last evaluated: 2019-09-14. Review status: criteria provided, single submitter. Criteria: Ambry Variant Classification Scheme 2023. Collection method: clinical testing. Allele origin: germline.
Comment: The p.I1811N variant (also known as c.5432T>A), located in coding exon 24 of the DICER1 gene, results from a T to A substitution at nucleotide position 5432. The isoleucine at codon 1811 is replaced by asparagine, an amino acid with dissimilar properties. This amino acid position is highly conserved in available vertebrate species. In addition, this alteration is predicted to be deleterious by in silico analysis. Since supporting evidence is limited at this time, the clinical significance of this alteration remains unclear.